The following is an entry in ClinVar:

ClinVar aggregate classification (germline): Pathogenic (1 of 4 stars; one submission).

Conditions:
Polyglandular autoimmune syndrome, type 1 (APS1). Also called: Whitaker syndrome; Autoimmune polyendocrinopathy syndrome, type I; Autoimmune polyendocrine syndrome type 1; AUTOIMMUNE POLYENDOCRINE SYNDROME, TYPE I, WITH OR WITHOUT REVERSIBLE METAPHYSEAL DYSPLASIA; APS I; HYPOADRENOCORTICISM WITH HYPOPARATHYROIDISM AND SUPERFICIAL MONILIASIS. Identifiers: Orphanet 3453, MedGen C0085859, MONDO:0009411, OMIM 240300.

Submission:

Myriad Genetics, Inc.
Classification: Pathogenic for Polyglandular autoimmune syndrome, type 1. Last evaluated: 2023-09-27. Review status: criteria provided, single submitter. Criteria: Myriad Autosomal Dominant, Autosomal Recessive and X-Linked Classification Criteria (2023). Collection method: clinical testing. Allele origin: unknown.
Comment: NM_000383.3(AIRE):c.453dupC(A152Rfs*65) is expected to be pathogenic in the context of autoimmune polyglandular syndrome type 1. This variant is predicted to lead to an abnormal or absent protein product due to the creation of a premature termination codon in AIRE, a gene where loss-of-function variants are known to be pathogenic. Please note: this variant was assessed in the context of healthy population screening.

NM_000383.4(AIRE):c.453dup (p.Ala152fs)

Gene: AIRE (autoimmune regulator; plus strand). Cytogenetic location: 21q22.3.
Variant type: Duplication.
Coding change: c.453dup on transcript NM_000383.4 (MANE Select); coding-DNA position 453, one base duplicated (C; older notation c.453dupC).
Protein change: p.Ala152fs; shifts the reading frame from alanine 152.
Molecular consequence: frameshift variant.
Genome position (GRCh38, 1-based): chr21:44,287,123, C duplicated; the last of 2 consecutive C bases (chr21:44,287,122-44,287,123); duplicating either gives the same sequence. VCF-style (leftmost placement, unchanged base first): chr21-44287121-A-AC. GRCh37 (hg19) VCF-style: chr21-45707004-A-AC.
Other names: short protein forms A152fs.
Identifiers: ClinVar variation 5011849 (VCV005011849.1).